The following is an entry in ClinVar:

NM_133368.3(RSPRY1):c.140G>A (p.Arg47Gln)

Gene: RSPRY1 (ring finger and SPRY domain containing 1; plus strand). Cytogenetic location: 16q13.
Variant type: single nucleotide variant.
Coding change: c.140G>A on transcript NM_133368.3 (MANE Select); coding-DNA position 140, G replaced by A.
Protein change: p.Arg47Gln; replaces arginine 47 with glutamine.
Molecular consequence: missense variant.
Genome position (GRCh38, 1-based): chr16:57,204,798, G>A. VCF-style: chr16-57204798-G-A. GRCh37 (hg19) VCF-style: chr16-57238710-G-A.
Other names: c.140G>A, p.Arg47Gln (NM_001305163.2, NM_001305164.2, NM_001305182.2); c.140G>A (NM_133368.1); short protein forms R47Q.
Identifiers: ClinVar variation 1440892 (VCV001440892.5), dbSNP rs200607629, ClinGen allele CA8074391.

ClinVar aggregate classification (germline): Uncertain significance. Review status: criteria provided, multiple submitters, no conflicts (2 of 4 stars). 2 submissions from 2 submitters: Uncertain significance (2). Last evaluated 2024-09-01.

Conditions:
Inborn genetic diseases. Identifiers: MedGen C0950123, MeSH D030342.

Allele frequency attached by ClinVar (database versions not stated): gnomAD exomes 0.00009 and 0.00022; ESP Exome Variant Server 0.00015; 1000 Genomes Project 30x 0.00016; 1000 Genomes Project 0.00020; TOPMed 0.00020; ExAC 0.00021; gnomAD 0.00021 and 0.00024.
gnomAD v4.1: 174 of 1,614,156 alleles (0.011%); highest among the groups gnomAD compares: Admixed American, 0.085%; no homozygotes.

Submissions (2):

Ambry Genetics
Classification: Uncertain significance for Inborn genetic diseases. Last evaluated: 2024-09-01. Review status: criteria provided, single submitter. Criteria: Ambry Variant Classification Scheme 2023. Collection method: clinical testing. Allele origin: germline.

Labcorp Genetics (formerly Invitae), Labcorp
Classification: Uncertain significance. Last evaluated: 2022-10-17. Review status: criteria provided, single submitter. Criteria: Invitae Variant Classification Sherloc (09022015). Collection method: clinical testing. Allele origin: germline.
Comment: This sequence change replaces arginine, which is basic and polar, with glutamine, which is neutral and polar, at codon 47 of the RSPRY1 protein (p.Arg47Gln). This variant is present in population databases (rs200607629, gnomAD 0.08%). This variant has not been reported in the literature in individuals affected with RSPRY1-related conditions. ClinVar contains an entry for this variant (Variation ID: 1440892). Advanced modeling of protein sequence and biophysical properties (such as structural, functional, and spatial information, amino acid conservation, physicochemical variation, residue mobility, and thermodynamic stability) performed at Invitae indicates that this missense variant is not expected to disrupt RSPRY1 protein function. In summary, the available evidence is currently insufficient to determine the role of this variant in disease. Therefore, it has been classified as a Variant of Uncertain Significance.